The following is an entry in ClinVar:

ClinVar aggregate classification (germline): Conflicting classifications of pathogenicity. Review status: criteria provided, conflicting classifications (1 of 4 stars). 2 submissions from 2 submitters: Uncertain significance (1); Likely benign (1). Last evaluated 2025-11-10.

Allele frequency attached by ClinVar (database versions not stated): gnomAD 0.00001 and 0.00004; gnomAD exomes 0.00002 and 0.00008; ExAC 0.00008; 1000 Genomes Project 0.00060; 1000 Genomes Project 30x 0.00062.
gnomAD v4.1: 38 of 1,613,398 alleles (0.0024%); highest among the groups gnomAD compares: East Asian, 0.067%; 1 homozygote.

Submissions (2):

Labcorp Genetics (formerly Invitae), Labcorp
Classification: Likely benign. Last evaluated: 2025-11-10. Review status: criteria provided, single submitter. Criteria: Invitae Variant Classification Sherloc (09022015). Collection method: clinical testing. Allele origin: germline.

GeneDx
Classification: Uncertain significance. Last evaluated: 2023-07-14. Review status: criteria provided, single submitter. Criteria: GeneDx Variant Classification Process June 2021. Collection method: clinical testing. Allele origin: germline. Affected: yes.
Comment: Observed with a pathogenic variant on the opposite allele (in trans) in an unrelated individual with autosomal dominant spondyloepiphyseal dysplasia in published literature (Liu et al., 2020); In silico analysis supports that this missense variant does not alter protein structure/function; Occurs in the triple helical domain at the X position in the canonical Gly-X-Y repeat; although this variant may have an effect on normal protein folding and function, missense substitution at the X position is not a common mechanism of disease (HGMD); This variant is associated with the following publications: (PMID: Liu_2020_Article)

NM_001844.5(COL2A1):c.3107G>A (p.Arg1036Gln)

Gene: COL2A1 (collagen type II alpha 1 chain; minus strand). Cytogenetic location: 12q13.11.
Variant type: single nucleotide variant.
Coding change: c.3107G>A on transcript NM_001844.5 (MANE Select); coding-DNA position 3107, G replaced by A.
Protein change: p.Arg1036Gln; replaces arginine 1036 with glutamine.
Molecular consequence: missense variant.
Genome position (GRCh38, 1-based): chr12:47,978,014, C>T on the plus strand (G>A on the coding strand, the complement: COL2A1 is on the minus strand). VCF-style: chr12-47978014-C-T. GRCh37 (hg19) VCF-style: chr12-48371797-C-T.
Other names: c.3107G>A (NM_001844.4); c.2900G>A, p.Arg967Gln (NM_033150.3); short protein forms R1036Q, R967Q.
Identifiers: ClinVar variation 1655407 (VCV001655407.9), dbSNP rs201956851, ClinGen allele CA6534898.